The following is an entry in ClinVar:

NM_002180.3(IGHMBP2):c.2369G>A (p.Arg790Gln)

Gene: IGHMBP2 (immunoglobulin mu DNA binding protein 2; plus strand). Cytogenetic location: 11q13.3.
Variant type: single nucleotide variant.
Coding change: c.2369G>A on transcript NM_002180.3 (MANE Select); coding-DNA position 2369, G replaced by A.
Protein change: p.Arg790Gln; replaces arginine 790 with glutamine.
Molecular consequence: missense variant.
Genome position (GRCh38, 1-based): chr11:68,936,849, G>A. VCF-style: chr11-68936849-G-A. GRCh37 (hg19) VCF-style: chr11-68704317-G-A.
Other names: p.Arg790Gln; short protein forms R790Q.
Identifiers: ClinVar variation 245632 (VCV000245632.103), dbSNP rs147038490, ClinGen allele CA6153897.

ClinVar aggregate classification (germline): Conflicting classifications of pathogenicity. Review status: criteria provided, conflicting classifications (1 of 4 stars). 8 submissions from 8 submitters: Uncertain significance (6); Likely benign (2). Last evaluated 2025-12-16.

Conditions:
Charcot-Marie-Tooth disease axonal type 2S. Also called: CHARCOT-MARIE-TOOTH DISEASE, AXONAL, AUTOSOMAL RECESSIVE, TYPE 2S; CHARCOT-MARIE-TOOTH NEUROPATHY, TYPE 2S. Identifiers: Orphanet 443073, MedGen C4015349, MONDO:0014511, OMIM 616155.
Autosomal recessive distal spinal muscular atrophy 1. Also called: HMN VI; NEURONOPATHY, SEVERE INFANTILE AXONAL, WITH RESPIRATORY FAILURE; SEVERE INFANTILE AXONAL NEUROPATHY WITH RESPIRATORY FAILURE; SPINAL MUSCULAR ATROPHY, DIAPHRAGMATIC; Spinal muscular atrophy with respiratory distress 1; NEURONOPATHY, DISTAL HEREDITARY MOTOR, HARDING TYPE VI. Identifiers: Orphanet 98920, MedGen C1858517, MONDO:0011436, OMIM 604320.
Inborn genetic diseases. Identifiers: MedGen C0950123, MeSH D030342.

Allele frequency attached by ClinVar (database versions not stated): 1000 Genomes Project 0.00020; gnomAD 0.00025 and 0.00026; 1000 Genomes Project 30x 0.00031; ESP Exome Variant Server 0.00031; gnomAD exomes 0.00034 and 0.00045; TOPMed 0.00034; ExAC 0.00043.
gnomAD v4.1: 708 of 1,613,258 alleles (0.044%); highest among the groups gnomAD compares: Non-Finnish European, 0.053%; 1 homozygote.

Submissions (8):

Labcorp Genetics (formerly Invitae), Labcorp
Classification: Likely benign for Autosomal recessive distal spinal muscular atrophy 1; Charcot-Marie-Tooth disease axonal type 2S. Last evaluated: 2025-12-16. Review status: criteria provided, single submitter. Criteria: Invitae Variant Classification Sherloc (09022015). Collection method: clinical testing. Allele origin: germline.

GeneDx
Classification: Uncertain significance. Last evaluated: 2025-10-16. Review status: criteria provided, single submitter. Criteria: GeneDx Variant Classification Process June 2021. Collection method: clinical testing. Allele origin: germline. Affected: yes.
Comment: In silico analysis suggests that this missense variant does not alter protein structure/function; Has not been previously published as pathogenic or benign to our knowledge

Mayo Clinic Laboratories, Mayo Clinic
Classification: Uncertain significance. Last evaluated: 2025-08-04. Review status: criteria provided, single submitter. Criteria: ACMG Guidelines, 2015. Collection method: clinical testing. Allele origin: germline. Observed: 2 variant alleles.
Comment: BP4_strong

Ambry Genetics
Classification: Likely benign for Inborn genetic diseases. Last evaluated: 2024-01-24. Review status: criteria provided, single submitter. Criteria: Ambry Variant Classification Scheme 2023. Collection method: clinical testing. Allele origin: germline.

ARUP Laboratories, Molecular Genetics and Genomics, ARUP Laboratories
Classification: Uncertain significance. Last evaluated: 2019-11-20. Review status: criteria provided, single submitter. Criteria: ARUP Molecular Germline Variant Investigation Process. Collection method: clinical testing. Allele origin: germline.

Revvity Omics, Revvity
Classification: Uncertain significance. Last evaluated: 2019-07-21. Review status: criteria provided, single submitter. Criteria: ACMG Guidelines, 2015. Collection method: clinical testing. Allele origin: germline.

Illumina Laboratory Services, Illumina
Classification: Uncertain significance for Autosomal recessive distal spinal muscular atrophy 1. Last evaluated: 2018-01-13. Review status: criteria provided, single submitter. Criteria: ICSL Variant Classification Criteria 13 December 2019. Collection method: clinical testing. Allele origin: germline.

CeGaT Center for Human Genetics Tuebingen
Classification: Uncertain significance. Last evaluated: 2016-11-01. Review status: criteria provided, single submitter. Criteria: CeGaT Center For Human Genetics Tuebingen Variant Classification Criteria Version 2. Collection method: clinical testing. Allele origin: germline. Affected: yes. Observed: 1 variant allele.